The following is an entry in ClinVar:

ClinVar aggregate classification (germline): Pathogenic (1 of 4 stars; one submission).

Conditions:
SCAF4-associated mental retardation.

Submission:

Institute for Genomic Statistics and Bioinformatics, University Hospital Bonn
Classification: Pathogenic for SCAF4-associated mental retardation. Review status: criteria provided, single submitter. Criteria: ACMG Guidelines, 2015. Collection method: clinical testing. Allele origin: de novo. Inheritance: Autosomal dominant inheritance. Affected: yes. Observed: 1 heterozygote.
Comment: In population-based and phanotype-based variants this variant is not listed. Recently, the SCAF4 gene was associated with a developmental disorder during a congress lecture (Fliedner, et al., ESHG 2020). Nine individuals with SCAF4 variants (6x nonsense, 2x spleil1 and 1x missense) were described who showed developmental delay, mild to severe intelligence reduction and various other aspects such as epilepsy (6/9), behavioural anomalies (6/9) and skeletal (3/9) or renal (3/9) anomalies. Functional experiments in model organisms also truncate an important role of the SCAF4 gene for neurological functions. If SCAF4 is thus considered an established disease gene, the ACMG classification for this variant became pathogenic (class 5; PVS1, PS2, PM2). However, if SCAF4 is regarded as a candidate gene, the assessment would be variant of unclear functional relevance. Overall, the patient's symptoms could be well explained by the SCAF4 variant, but no precise description of the associated syndrome is currently available.

NM_020706.2(SCAF4):c.571C>T (p.Gln191Ter)

Gene: SCAF4 (SR-related CTD associated factor 4; minus strand). Cytogenetic location: 21q22.11.
Variant type: single nucleotide variant.
Coding change: c.571C>T on transcript NM_020706.2 (MANE Select); coding-DNA position 571, C replaced by T.
Protein change: p.Gln191Ter; replaces glutamine 191 with a stop codon.
Molecular consequence: nonsense.
Genome position (GRCh38, 1-based): chr21:31,701,805, G>A on the plus strand (C>T on the coding strand, the complement: SCAF4 is on the minus strand). VCF-style: chr21-31701805-G-A. GRCh37 (hg19) VCF-style: chr21-33074118-G-A.
Other names: c.526C>T, p.Gln176Ter (NM_001145444.1); c.571C>T, p.Gln191Ter (NM_001145445.1); short protein forms Q176*, Q191*.
Identifiers: ClinVar variation 973768 (VCV000973768.3), dbSNP rs2050538888, ClinGen allele CA410050311.